The following is an entry in ClinVar:

NM_020376.4(PNPLA2):c.493G>A (p.Val165Met)

Gene: PNPLA2 (patatin like domain 2, triacylglycerol lipase; plus strand). Cytogenetic location: 11p15.5.
Variant type: single nucleotide variant.
Coding change: c.493G>A on transcript NM_020376.4 (MANE Select); coding-DNA position 493, G replaced by A.
Protein change: p.Val165Met; replaces valine 165 with methionine.
Molecular consequence: missense variant.
Genome position (GRCh38, 1-based): chr11:822,403, G>A. VCF-style: chr11-822403-G-A. GRCh37 (hg19) VCF-style: chr11-822403-G-A.
Other names: c.493G>A (NM_020376.3); short protein forms V165M.
Identifiers: ClinVar variation 2048712 (VCV002048712.5), dbSNP rs751072211, ClinGen allele CA5791034.
Genomic context (GRCh38, chr11:822,403, plus strand): 5'-GCCAGTGCAGCCACAGGCCCTCACATACGGTCCTGTCTGTGTGTCCCGTGGAAGCGCTAC[G>A]TGGATGGTGGCATTTCAGACAACCTGCCACTCTATGAGCTTAAGAACACCATCACAGTGT-3'
Protein context (NP_065109.1, residues 155-175): IPPSLQGVRY[Val165Met]DGGISDNLPL

ClinVar aggregate classification (germline): Uncertain significance. Review status: criteria provided, multiple submitters, no conflicts (2 of 4 stars). 2 submissions from 2 submitters: Uncertain significance (2). Last evaluated 2022-11-08.

Conditions:
Neutral lipid storage myopathy (NLSDM). Also called: NEUTRAL LIPID STORAGE DISEASE WITHOUT ICHTHYOSIS. Identifiers: Orphanet 98908, MedGen C1853136, MONDO:0012545, OMIM 610717.

Allele frequency attached by ClinVar (database versions not stated): TOPMed 0.00002; gnomAD 0.00022.
gnomAD v4.1: 129 of 1,613,622 alleles (0.008%); highest among the groups gnomAD compares: Middle Eastern, 0.016%; no homozygotes.

Submissions (2):

Labcorp Genetics (formerly Invitae), Labcorp
Classification: Uncertain significance for Neutral lipid storage myopathy. Last evaluated: 2022-11-08. Review status: criteria provided, single submitter. Criteria: Invitae Variant Classification Sherloc (09022015). Collection method: clinical testing. Allele origin: germline.
Comment: Advanced modeling of protein sequence and biophysical properties (such as structural, functional, and spatial information, amino acid conservation, physicochemical variation, residue mobility, and thermodynamic stability) performed at Invitae indicates that this missense variant is not expected to disrupt PNPLA2 protein function. In summary, the available evidence is currently insufficient to determine the role of this variant in disease. Therefore, it has been classified as a Variant of Uncertain Significance. This variant has not been reported in the literature in individuals affected with PNPLA2-related conditions. This variant is present in population databases (rs751072211, gnomAD 0.2%). This sequence change replaces valine, which is neutral and non-polar, with methionine, which is neutral and non-polar, at codon 165 of the PNPLA2 protein (p.Val165Met).

Revvity Omics, Revvity
Classification: Uncertain significance for Neutral lipid storage myopathy. Last evaluated: 2019-08-14. Review status: criteria provided, single submitter. Criteria: ACMG Guidelines, 2015. Collection method: clinical testing. Allele origin: germline.